The following is an entry in ClinVar:

ClinVar aggregate classification (germline): Uncertain significance (1 of 4 stars; one submission).

Allele frequency attached by ClinVar (database versions not stated): TOPMed 0.00005; ESP Exome Variant Server 0.00008; gnomAD 0.00003; gnomAD exomes 0.00007.
gnomAD v4.1: 99 of 1,614,148 alleles (0.0061%); highest among the groups gnomAD compares: Non-Finnish European, 0.008%; no homozygotes.

Submission:

Labcorp Genetics (formerly Invitae), Labcorp
Classification: Uncertain significance. Last evaluated: 2024-12-28. Review status: criteria provided, single submitter. Criteria: Invitae Variant Classification Sherloc (09022015). Collection method: clinical testing. Allele origin: germline.
Comment: This sequence change replaces asparagine, which is neutral and polar, with serine, which is neutral and polar, at codon 167 of the CLCN6 protein (p.Asn167Ser). This variant is present in population databases (rs369425506, gnomAD 0.006%). This variant has not been reported in the literature in individuals affected with CLCN6-related conditions. ClinVar contains an entry for this variant (Variation ID: 2077870). An algorithm developed to predict the effect of missense changes on protein structure and function (PolyPhen-2) suggests that this variant is likely to be disruptive. In summary, the available evidence is currently insufficient to determine the role of this variant in disease. Therefore, it has been classified as a Variant of Uncertain Significance.

NM_001286.5(CLCN6):c.500A>G (p.Asn167Ser)

Gene: CLCN6 (Cl-/H+ antiporter 6; plus strand). Cytogenetic location: 1p36.22.
Variant type: single nucleotide variant.
Coding change: c.500A>G on transcript NM_001286.5 (MANE Select); coding-DNA position 500, A replaced by G.
Protein change: p.Asn167Ser; replaces asparagine 167 with serine.
Molecular consequence: missense variant. On other transcripts: non-coding transcript variant (1).
Genome position (GRCh38, 1-based): chr1:11,823,753, A>G. VCF-style: chr1-11823753-A-G. GRCh37 (hg19) VCF-style: chr1-11883810-A-G.
Other names: c.434A>G, p.Asn145Ser (NM_001256959.2); short protein forms N145S, N167S.
Identifiers: ClinVar variation 2077870 (VCV002077870.4), dbSNP rs369425506, ClinGen allele CA17993900.
Genomic context (GRCh38, chr1:11,823,753, plus strand): 5'-CTCTCCTCCATCAGCCGGTGGCAGCAGGTTCCGGGATACCCGAGGTCAAATGCTATCTGA[A>G]TGGCGTAAAGGTGCCAGGAATCGTCCGTCTCCGGACCCTGCTCTGCAAGGTCCTTGGAGT-3'
Protein context (NP_001277.2, residues 157-177): SGIPEVKCYL[Asn167Ser]GVKVPGIVRL